The following is an entry in ClinVar:

ClinVar aggregate classification (germline): Conflicting classifications of pathogenicity. Review status: criteria provided, conflicting classifications (1 of 4 stars). 2 submissions from 2 submitters: Uncertain significance (1); Likely benign (1). Last evaluated 2024-08-28.

Conditions:
Leukoencephalopathy-thalamus and brainstem anomalies-high lactate syndrome. Also called: LEUKOENCEPHALOPATHY WITH THALAMUS AND BRAINSTEM INVOLVEMENT AND HIGH LACTATE; Combined oxidative phosphorylation deficiency 12. Identifiers: Orphanet 314051, MedGen C4706421, MONDO:0013971, OMIM 614924.

Allele frequency attached by ClinVar (database versions not stated): ExAC below 0.00001; gnomAD exomes 0.00001.
gnomAD v4.1: 1 of 1,518,252 alleles (0.000066%); no homozygotes.

Submissions (2):

Blueprint Genetics
Classification: Likely benign. Last evaluated: 2024-08-28. Review status: criteria provided, single submitter. Criteria: ACMG Guidelines, 2015. Collection method: clinical testing. Allele origin: germline.

Baylor Genetics
Classification: Uncertain significance for Leukoencephalopathy-thalamus and brainstem anomalies-high lactate syndrome. Last evaluated: 2019-04-05. Review status: criteria provided, single submitter. Criteria: ACMG Guidelines, 2015. Collection method: clinical testing. Allele origin: paternal. Affected: yes.
Comment: This variant was determined to be of uncertain significance according to ACMG Guidelines, 2015 [PMID:25741868].

NM_001083614.2(EARS2):c.43T>C (p.Ser15Pro)

Genes: EARS2 (glutamyl-tRNA synthetase 2, mitochondrial; minus strand), LOC130058664 (ATAC-STARR-seq lymphoblastoid active region 10583; plus strand). Cytogenetic location: 16p12.2.
Variant type: single nucleotide variant.
Coding change: c.43T>C on transcript NM_001083614.2 (MANE Select); coding-DNA position 43, T replaced by C.
Protein change: p.Ser15Pro; replaces serine 15 with proline.
Molecular consequence: missense variant. On other transcripts: non-coding transcript variant (1).
Genome position (GRCh38, 1-based): chr16:23,557,301, A>G on the plus strand (T>C on the coding strand, the complement: EARS2 is on the minus strand). VCF-style: chr16-23557301-A-G. GRCh37 (hg19) VCF-style: chr16-23568622-A-G.
Other names: c.43T>C, p.Ser15Pro (NM_001308211.1); short protein forms S15P.
Identifiers: ClinVar variation 1030115 (VCV001030115.2), dbSNP rs755022102, ClinGen allele CA7962763.